The following is an entry in ClinVar:

NM_004859.4(CLTC):c.182C>T (p.Pro61Leu)

Gene: CLTC (clathrin heavy chain; plus strand). Cytogenetic location: 17q23.1.
Variant type: single nucleotide variant.
Coding change: c.182C>T on transcript NM_004859.4 (MANE Select); coding-DNA position 182, C replaced by T.
Protein change: p.Pro61Leu; replaces proline 61 with leucine.
Molecular consequence: missense variant.
Genome position (GRCh38, 1-based): chr17:59,644,415, C>T. VCF-style: chr17-59644415-C-T. GRCh37 (hg19) VCF-style: chr17-57721776-C-T.
Other names: c.182C>T, p.Pro61Leu (NM_001288653.2); short protein forms P61L.
Identifiers: ClinVar variation 4869029 (VCV004869029.1).

ClinVar aggregate classification (germline): Uncertain significance (1 of 4 stars; one submission).

Conditions:
Inborn genetic diseases. Identifiers: MedGen C0950123, MeSH D030342.

Submission:

Ambry Genetics
Classification: Uncertain significance for Inborn genetic diseases. Last evaluated: 2026-04-11. Review status: criteria provided, single submitter. Criteria: Ambry Variant Classification Scheme 2023. Collection method: clinical testing. Allele origin: germline.
Comment: The c.182C>T (p.P61L) alteration is located in exon 2 (coding exon 2) of the CLTC gene. This alteration results from a C to T substitution at nucleotide position 182, causing the proline (P) at amino acid position 61 to be replaced by a leucine (L). Based on data from gnomAD, the T allele has an overall frequency of <0.001% (1/251414) total alleles studied. The highest observed frequency was <0.001% (/) of alleles. Based on insufficient or conflicting evidence, the clinical significance of this alteration remains unclear.